The following is an entry in ClinVar:

ClinVar aggregate classification (germline): Uncertain significance (1 of 4 stars; one submission).

Conditions:
Cardiovascular phenotype. Identifiers: MedGen CN230736.

Allele frequency attached by ClinVar (database versions not stated): gnomAD 0.00001; TOPMed 0.00001.
gnomAD v4.1: 2 of 1,550,180 alleles (0.00013%); highest among the groups gnomAD compares: African/African-American, 0.0027%; no homozygotes.

Submission:

Ambry Genetics
Classification: Uncertain significance for Cardiovascular phenotype. Last evaluated: 2022-06-14. Review status: criteria provided, single submitter. Criteria: Ambry Variant Classification Scheme 2023. Collection method: clinical testing. Allele origin: germline.
Comment: The p.P244S variant (also known as c.730C>T), located in coding exon 1 of the ZNF469 gene, results from a C to T substitution at nucleotide position 730. The proline at codon 244 is replaced by serine, an amino acid with similar properties. This amino acid position is conserved. In addition, this alteration is predicted to be tolerated by in silico analysis. Since supporting evidence is limited at this time, the clinical significance of this alteration remains unclear.

NM_001367624.2(ZNF469):c.730C>T (p.Pro244Ser)

Gene: ZNF469 (zinc finger protein 469; plus strand). Cytogenetic location: 16q24.2.
Variant type: single nucleotide variant.
Coding change: c.730C>T on transcript NM_001367624.2 (MANE Select); coding-DNA position 730, C replaced by T.
Protein change: p.Pro244Ser; replaces proline 244 with serine.
Molecular consequence: missense variant.
Genome position (GRCh38, 1-based): chr16:88,428,200, C>T. VCF-style: chr16-88428200-C-T. GRCh37 (hg19) VCF-style: chr16-88494608-C-T.
Other names: NM_001127464.1:c.730C>T; short protein forms P244S.
Identifiers: ClinVar variation 1758249 (VCV001758249.2), dbSNP rs928257964, ClinGen allele CA286372040.
Genomic context (GRCh38, chr16:88,428,200, plus strand): 5'-TATCCCGAATACCAGGCCAGTGGGGCCGACTCCTGGCCTCCCGCTGCTGAGAATAGCTTC[C>T]CAGGTGCTAATTTCGGGGTTCCCCCCGCCGAGCCGGAACCTATTCCCAAAGGCAGCAGGC-3'
Protein context (NP_001354553.1, residues 234-254): SWPPAAENSF[Pro244Ser]GANFGVPPAE